The following is an entry in ClinVar:

ClinVar aggregate classification (germline): Likely pathogenic (1 of 4 stars; one submission).

Conditions:
Autosomal recessive nonsyndromic hearing loss 18B. Also called: Deafness, autosomal recessive 18b. Identifiers: Orphanet 90636, MedGen C3554163, MONDO:0013985, OMIM 614945.

Submission:

Juno Genomics, Hangzhou Juno Genomics, Inc
Classification: Likely pathogenic for Autosomal recessive nonsyndromic hearing loss 18B. Review status: criteria provided, single submitter. Criteria: ACMG Guidelines, 2015. Collection method: clinical testing. Allele origin: germline.
Comment: Null variant in a gene where loss of function (LOF) is a known mechanism of disease.;Absent from controls (or at extremely low frequency if recessive) in Genome Aggregation Database.

NM_001292063.2(OTOG):c.7053G>A (p.Trp2351Ter)

Gene: OTOG (otogelin; plus strand). Cytogenetic location: 11p15.1.
Variant type: single nucleotide variant.
Coding change: c.7053G>A on transcript NM_001292063.2 (MANE Select); coding-DNA position 7053, G replaced by A.
Protein change: p.Trp2351Ter; replaces tryptophan 2351 with a stop codon.
Molecular consequence: nonsense.
Genome position (GRCh38, 1-based): chr11:17,632,207, G>A. VCF-style: chr11-17632207-G-A. GRCh37 (hg19) VCF-style: chr11-17653754-G-A.
Other names: c.7089G>A, p.Trp2363Ter (NM_001277269.2); short protein forms W2351*, W2363*.
Identifiers: ClinVar variation 5007845 (VCV005007845.2).